The following is an entry in ClinVar:

ClinVar aggregate classification (germline): Likely benign (1 of 4 stars; one submission).

Submission:

CeGaT Center for Human Genetics Tuebingen
Classification: Likely benign. Last evaluated: 2026-03-01. Review status: criteria provided, single submitter. Criteria: CeGaT Center For Human Genetics Tuebingen Variant Classification Criteria Version 2. Collection method: clinical testing. Allele origin: germline. Affected: yes. Observed: 1 variant allele.
Comment: CYP2D6: BS2

NM_000106.6(CYP2D6):c.451C>G (p.Gln151Glu)

Gene: CYP2D6 (cytochrome P450 family 2 subfamily D member 6 (gene/pseudogene); minus strand). Cytogenetic location: 22q13.2.
Variant type: single nucleotide variant.
Coding change: c.451C>G on transcript NM_000106.6 (MANE Select); coding-DNA position 451, C replaced by G.
Protein change: p.Gln151Glu; replaces glutamine 151 with glutamic acid.
Molecular consequence: missense variant. On other transcripts: intron variant (1).
Genome position (GRCh38, 1-based): chr22:42,129,087, G>C on the plus strand (C>G on the coding strand, the complement: CYP2D6 is on the minus strand). VCF-style: chr22-42129087-G-C. GRCh37 (hg19) VCF-style: chr22-42525089-G-C.
Other names: c.353-143C>G (NM_001025161.3); short protein forms Q151E.
Identifiers: ClinVar variation 4820857 (VCV004820857.4).
Genomic context (GRCh38, chr22:42,129,087, plus strand): 5'-ACCCACCGGAGTGGTTGGCGAAGGCGGCACAAAGGCAGGCGGCCTCCTCGGTCACCCACT[G>C]CTCCAGCGACTTCTTGCCCAGGCCCAAGTTGCGCAAGGTGGACACGGAGAAGCGCCTCTG-3'
Protein context (NP_000097.3, residues 141-161): NLGLGKKSLE[Gln151Glu]WVTEEAACLC